The following is an entry in ClinVar:

ClinVar aggregate classification (germline): Uncertain significance (1 of 4 stars; one submission).

Submission:

Ambry Genetics
Classification: Uncertain significance. Last evaluated: 2025-05-02. Review status: criteria provided, single submitter. Criteria: Ambry Variant Classification Scheme 2023. Collection method: clinical testing. Allele origin: germline.
Comment: The p.C682Y variant (also known as c.2045G>A), located in coding exon 11 of the ATRIP gene, results from a G to A substitution at nucleotide position 2045. The cysteine at codon 682 is replaced by tyrosine, an amino acid with highly dissimilar properties. This amino acid position is conserved. In addition, this alteration is predicted to be deleterious by in silico analysis. Based on the available evidence, the clinical significance of this variant remains unclear.

NM_130384.3(ATRIP):c.2045G>A (p.Cys682Tyr)

Genes: ATRIP (ATR interacting protein; plus strand), ATRIP-TREX1 (ATRIP-TREX1 readthrough; plus strand). Cytogenetic location: 3p21.31.
Variant type: single nucleotide variant.
Coding change: c.2045G>A on transcript NM_130384.3 (MANE Select); coding-DNA position 2045, G replaced by A.
Protein change: p.Cys682Tyr; replaces cysteine 682 with tyrosine.
Molecular consequence: missense variant. On other transcripts: non-coding transcript variant (1), intron variant (1).
Genome position (GRCh38, 1-based): chr3:48,464,652, G>A. VCF-style: chr3-48464652-G-A. GRCh37 (hg19) VCF-style: chr3-48506051-G-A.
Other names: c.1664G>A, p.Cys555Tyr (NM_001271022.2); c.1766G>A, p.Cys589Tyr (NM_001271023.2); c.1975-179G>A (NM_032166.4); short protein forms C589Y, C555Y, C682Y.
Identifiers: ClinVar variation 3976410 (VCV003976410.1).